The following is an entry in ClinVar:

NM_000540.3(RYR1):c.3207C>A (p.Asp1069Glu)

Gene: RYR1 (ryanodine receptor 1; plus strand). Cytogenetic location: 19q13.2.
Variant type: single nucleotide variant.
Coding change: c.3207C>A on transcript NM_000540.3 (MANE Select); coding-DNA position 3207, C replaced by A.
Protein change: p.Asp1069Glu; replaces aspartic acid 1069 with glutamic acid.
Molecular consequence: missense variant.
Genome position (GRCh38, 1-based): chr19:38,467,638, C>A. VCF-style: chr19-38467638-C-A. GRCh37 (hg19) VCF-style: chr19-38958278-C-A.
Other names: c.3207C>A, p.Asp1069Glu (NM_001042723.2); short protein forms D1069E.
Identifiers: ClinVar variation 4823546 (VCV004823546.4).

ClinVar aggregate classification (germline): Uncertain significance (1 of 4 stars; one submission).

Submission:

CeGaT Center for Human Genetics Tuebingen
Classification: Uncertain significance. Last evaluated: 2026-03-01. Review status: criteria provided, single submitter. Criteria: CeGaT Center For Human Genetics Tuebingen Variant Classification Criteria Version 2. Collection method: clinical testing. Allele origin: germline. Affected: yes. Observed: 1 variant allele.
Comment: RYR1: PM2